The following is an entry in ClinVar:

ClinVar aggregate classification (germline): Pathogenic/Likely pathogenic. Review status: criteria provided, multiple submitters, no conflicts (2 of 4 stars). 2 submissions from 2 submitters: Pathogenic (1); Likely pathogenic (1). Last evaluated 2022-02-10.

Conditions:
Familial thoracic aortic aneurysm and aortic dissection (TAAD). Also called: Thoracic aortic aneurysms and dissections. Identifiers: Orphanet 91387, MedGen C4707243, MONDO:0019625.
Marfan syndrome (MFS). Also called: FBN1-Related Marfan Syndrome; Marfan's syndrome; MARFAN SYNDROME, TYPE I; Marfan syndrome type 1; Marfan syndrome, classic. Identifiers: Orphanet 284963, Orphanet 558, MedGen C0024796, MONDO:0007947, OMIM 154700.

Submissions (2):

Labcorp Genetics (formerly Invitae), Labcorp
Classification: Pathogenic for Marfan syndrome; Familial thoracic aortic aneurysm and aortic dissection. Last evaluated: 2022-02-10. Review status: criteria provided, single submitter. Criteria: Invitae Variant Classification Sherloc (09022015). Collection method: clinical testing. Allele origin: germline.
Comment: This variant is not present in population databases (gnomAD no frequency). This sequence change replaces cysteine, which is neutral and slightly polar, with arginine, which is basic and polar, at codon 168 of the FBN1 protein (p.Cys168Arg). For these reasons, this variant has been classified as Pathogenic. This variant affects a cysteine residue in the EGF-like, TGFBP or hybrid motif domains of FBN1. Cysteine residues are believed to be involved in intramolecular disulfide bridges and have been shown to be important for FBN1 protein structure (PMID: 16905551, 19349279). In addition, missense substitutions affecting cysteine residues within these domains are significantly overrepresented among patients with Marfan syndrome (PMID: 16571647, 17701892). Advanced modeling of protein sequence and biophysical properties (such as structural, functional, and spatial information, amino acid conservation, physicochemical variation, residue mobility, and thermodynamic stability) performed at Invitae indicates that this missense variant is expected to disrupt FBN1 protein function. ClinVar contains an entry for this variant (Variation ID: 841509). This missense change has been observed in individuals with clinical features of Marfan syndrome (PMID: 17679947; Invitae).

CHEO Genetics Diagnostic Laboratory, Children's Hospital of Eastern Ontario
Classification: Likely pathogenic for Familial thoracic aortic aneurysm and aortic dissection. Last evaluated: 2018-06-28. Review status: criteria provided, single submitter. Criteria: ACMG Guidelines, 2015. Collection method: clinical testing. Allele origin: germline.

Literature cited by the submitters: PubMed 16905551 (cited by Labcorp Genetics (formerly Invitae), Labcorp); PubMed 19349279 (cited by Labcorp Genetics (formerly Invitae), Labcorp); PubMed 16571647 (cited by Labcorp Genetics (formerly Invitae), Labcorp); PubMed 17701892 (cited by Labcorp Genetics (formerly Invitae), Labcorp); PubMed 17679947 (cited by Labcorp Genetics (formerly Invitae), Labcorp).

NM_000138.5(FBN1):c.502T>C (p.Cys168Arg)

Gene: FBN1 (fibrillin 1; minus strand). Cytogenetic location: 15q21.1.
Variant type: single nucleotide variant.
Coding change: c.502T>C on transcript NM_000138.5 (MANE Select); coding-DNA position 502, T replaced by C.
Protein change: p.Cys168Arg; replaces cysteine 168 with arginine.
Molecular consequence: missense variant.
Genome position (GRCh38, 1-based): chr15:48,596,319, A>G on the plus strand (T>C on the coding strand, the complement: FBN1 is on the minus strand). VCF-style: chr15-48596319-A-G. GRCh37 (hg19) VCF-style: chr15-48888516-A-G.
Other names: short protein forms C168R.
Identifiers: ClinVar variation 841509 (VCV000841509.9), dbSNP rs2044515247, ClinGen allele CA392446301.